The following is an entry in ClinVar:

ClinVar aggregate classification (germline): Likely pathogenic (1 of 4 stars; one submission).

Conditions:
nonsyndromic sensorineural hearing loss. Identifiers: MedGen C1842137, MeSH C537845.

Submission:

Translational Hearing Genomics Lab, Boston Children's Hospital
Classification: Likely pathogenic for Nonsyndromic sensorineural hearing loss. Last evaluated: 2024-12-05. Review status: criteria provided, single submitter. Criteria: ACMG Guidelines, 2015. Collection method: clinical testing. Allele origin: unknown. Inheritance: Autosomal recessive inheritance. Affected: yes. Observed: 1 compound heterozygote.
Comment: Loss-of-function variant in a gene for which loss of function is a known mechanism of disease. To our knowledge, this deletion has not been reported in publications or public databases.

GRCh38/hg38 16p12.2(chr16:21735946-21736717)x1

Gene: OTOA (otoancorin). Cytogenetic location: 16p12.2.
Variant type: copy number loss.
Change: copy number 1 (one copy instead of two) of chr16:21,735,946-21,736,717 (0.8 kb, GRCh38 coordinates, 1-based), cytogenetic band 16p12.2.
Identifiers: ClinVar variation 3385336 (VCV003385336.1).